The following is an entry in ClinVar:

NM_000387.6(SLC25A20):c.306_315del (p.His103fs)

Gene: SLC25A20 (solute carrier family 25 member 20; minus strand). Cytogenetic location: 3p21.31.
Variant type: Deletion.
Coding change: c.306_315del on transcript NM_000387.6 (MANE Select); coding-DNA positions 306 to 315, 10 bases deleted (ACACCCAGAA; older notation c.306_315delACACCCAGAA).
Protein change: p.His103fs; shifts the reading frame from histidine 103.
Molecular consequence: frameshift variant.
Genome position (GRCh38, 1-based): chr3:48,884,008-48,884,017, TTCTGGGTGT deleted on the plus strand (ACACCCAGAA on the coding strand, the reverse complement: SLC25A20 is on the minus strand); deleting any 10 consecutive bases within chr3:48,884,008-48,884,022 gives the same sequence; the c. name uses the placement nearest the transcript's 3' end. VCF-style (leftmost placement, unchanged base first): chr3-48884007-CTTCTGGGTGT-C. GRCh37 (hg19) VCF-style: chr3-48921440-CTTCTGGGTGT-C.
Other names: short protein forms H103fs.
Identifiers: ClinVar variation 2894019 (VCV002894019.4), dbSNP rs1481760544, ClinGen allele CA542793612.

ClinVar aggregate classification (germline): Pathogenic (1 of 4 stars; one submission).

Conditions:
Carnitine acylcarnitine translocase deficiency (CACTD). Identifiers: Orphanet 159, MedGen C0342791, MONDO:0008918, OMIM 212138.

Submission:

Labcorp Genetics (formerly Invitae), Labcorp
Classification: Pathogenic for Carnitine acylcarnitine translocase deficiency. Last evaluated: 2023-07-11. Review status: criteria provided, single submitter. Criteria: Invitae Variant Classification Sherloc (09022015). Collection method: clinical testing. Allele origin: germline.
Comment: For these reasons, this variant has been classified as Pathogenic. This variant has not been reported in the literature in individuals affected with SLC25A20-related conditions. This variant is present in population databases (no rsID available, gnomAD 0.002%). This sequence change creates a premature translational stop signal (p.His103Metfs*23) in the SLC25A20 gene. It is expected to result in an absent or disrupted protein product. Loss-of-function variants in SLC25A20 are known to be pathogenic (PMID: 25614308).

Literature cited by the submitters: PubMed 25614308.